The following is an entry in ClinVar:

ClinVar aggregate classification (germline): Likely benign (1 of 4 stars; one submission).

Submission:

CeGaT Center for Human Genetics Tuebingen
Classification: Likely benign. Last evaluated: 2026-08-01. Review status: criteria provided, single submitter. Criteria: CeGaT Center For Human Genetics Tuebingen Variant Classification Criteria Version 2. Collection method: clinical testing. Allele origin: germline. Affected: yes. Observed: 8 variant alleles.
Comment: NACAD: BP4, BP7

NM_001146334.2(NACAD):c.2160C>T (p.Ser720=)

Gene: NACAD (NAC alpha domain containing; minus strand). Cytogenetic location: 7p13.
Variant type: single nucleotide variant.
Coding change: c.2160C>T on transcript NM_001146334.2 (MANE Select); coding-DNA position 2160, C replaced by T.
Protein change: p.Ser720=; no amino-acid change (serine 720 retained).
Molecular consequence: synonymous variant.
Genome position (GRCh38, 1-based): chr7:45,084,020, G>A on the plus strand (C>T on the coding strand, the complement: NACAD is on the minus strand). VCF-style: chr7-45084020-G-A. GRCh37 (hg19) VCF-style: chr7-45123619-G-A.
Identifiers: ClinVar variation 3905083 (VCV003905083.10).